The following is an entry in ClinVar:

ClinVar aggregate classification (germline): Uncertain significance (1 of 4 stars; one submission).

Conditions:
Atrioventricular septal defect 5 (AVSD5). Identifiers: MedGen C3280939, MONDO:0013769, OMIM 614474.

gnomAD v4.1: 1 of 1,192,098 alleles (0.000084%); highest among the groups gnomAD compares: Non-Finnish European, 0.0001%; no homozygotes.

Submission:

Labcorp Genetics (formerly Invitae), Labcorp
Classification: Uncertain significance for Atrioventricular septal defect 5. Last evaluated: 2022-09-20. Review status: criteria provided, single submitter. Criteria: Invitae Variant Classification Sherloc (09022015). Collection method: clinical testing. Allele origin: germline.
Comment: This variant has not been reported in the literature in individuals affected with GATA6-related conditions. This sequence change replaces glycine, which is neutral and non-polar, with arginine, which is basic and polar, at codon 236 of the GATA6 protein (p.Gly236Arg). This variant is not present in population databases (gnomAD no frequency). Advanced modeling of protein sequence and biophysical properties (such as structural, functional, and spatial information, amino acid conservation, physicochemical variation, residue mobility, and thermodynamic stability) performed at Invitae indicates that this missense variant is not expected to disrupt GATA6 protein function. In summary, the available evidence is currently insufficient to determine the role of this variant in disease. Therefore, it has been classified as a Variant of Uncertain Significance.

NM_005257.6(GATA6):c.706G>C (p.Gly236Arg)

Gene: GATA6 (GATA binding protein 6; plus strand). Cytogenetic location: 18q11.2.
Variant type: single nucleotide variant.
Coding change: c.706G>C on transcript NM_005257.6 (MANE Select); coding-DNA position 706, G replaced by C.
Protein change: p.Gly236Arg; replaces glycine 236 with arginine.
Molecular consequence: missense variant.
Genome position (GRCh38, 1-based): chr18:22,171,850, G>C. VCF-style: chr18-22171850-G-C. GRCh37 (hg19) VCF-style: chr18-19751811-G-C.
Other names: short protein forms G236R.
Identifiers: ClinVar variation 2154220 (VCV002154220.4), dbSNP rs904551659, ClinGen allele CA401800537.